The following is an entry in ClinVar:

ClinVar aggregate classification (germline): Uncertain significance. Review status: criteria provided, multiple submitters, no conflicts (2 of 4 stars). 2 submissions from 2 submitters: Uncertain significance (2). Last evaluated 2024-07-26.

Conditions:
Seizures, benign familial infantile, 3 (BFIS3). Also called: CONVULSIONS, BENIGN FAMILIAL INFANTILE, 3; Familial neonatal seizures. Identifiers: Orphanet 140927, Orphanet 306, MedGen C1843140, MONDO:0011904, OMIM 607745.
Developmental and epileptic encephalopathy, 11 (DEE11). Also called: Early infantile epileptic encephalopathy 11. Identifiers: Orphanet 1934, MedGen C3150987, MONDO:0013388, OMIM 613721.

Allele frequency attached by ClinVar (database versions not stated): gnomAD exomes below 0.00001; ExAC 0.00001.
gnomAD v4.1: 1 of 1,614,012 alleles (0.000062%); highest among the groups gnomAD compares: Non-Finnish European, 0.000085%; no homozygotes.

Submissions (2):

Labcorp Genetics (formerly Invitae), Labcorp
Classification: Uncertain significance for Seizures, benign familial infantile, 3; Developmental and epileptic encephalopathy, 11. Last evaluated: 2024-07-26. Review status: criteria provided, single submitter. Criteria: Invitae Variant Classification Sherloc (09022015). Collection method: clinical testing. Allele origin: germline.
Comment: This sequence change replaces methionine, which is neutral and non-polar, with threonine, which is neutral and polar, at codon 692 of the SCN2A protein (p.Met692Thr). This variant is present in population databases (rs779698884, gnomAD 0.0009%). This variant has not been reported in the literature in individuals affected with SCN2A-related conditions. ClinVar contains an entry for this variant (Variation ID: 1425473). Advanced modeling of protein sequence and biophysical properties (such as structural, functional, and spatial information, amino acid conservation, physicochemical variation, residue mobility, and thermodynamic stability) performed at Invitae indicates that this missense variant is expected to disrupt SCN2A protein function with a positive predictive value of 80%. In summary, the available evidence is currently insufficient to determine the role of this variant in disease. Therefore, it has been classified as a Variant of Uncertain Significance.

GeneDx
Classification: Uncertain significance. Last evaluated: 2022-12-20. Review status: criteria provided, single submitter. Criteria: GeneDx Variant Classification Process June 2021. Collection method: clinical testing. Allele origin: germline. Affected: yes.
Comment: Not observed at significant frequency in large population cohorts (gnomAD); Missense variants in this gene are often considered pathogenic (HGMD); In silico analysis supports that this missense variant has a deleterious effect on protein structure/function; Has not been previously published as pathogenic or benign to our knowledge; This substitution is predicted to be within the cytoplasmic loop between the first and second homologous domains.

NM_001040142.2(SCN2A):c.2075T>C (p.Met692Thr)

Gene: SCN2A (sodium voltage-gated channel alpha subunit 2; plus strand). Cytogenetic location: 2q24.3.
Variant type: single nucleotide variant.
Coding change: c.2075T>C on transcript NM_001040142.2 (MANE Select); coding-DNA position 2075, T replaced by C.
Protein change: p.Met692Thr; replaces methionine 692 with threonine.
Molecular consequence: missense variant.
Genome position (GRCh38, 1-based): chr2:165,326,910, T>C. VCF-style: chr2-165326910-T-C. GRCh37 (hg19) VCF-style: chr2-166183420-T-C.
Other names: c.2075T>C, p.Met692Thr (NM_001040143.2, NM_001371246.1, NM_001371247.1 and 1 more transcripts); c.2075T>C (NM_021007.2); short protein forms M692T.
Identifiers: ClinVar variation 1425473 (VCV001425473.8), dbSNP rs779698884, ClinGen allele CA1939927.